The following is an entry in ClinVar:

NM_024496.4(IRF2BPL):c.1858G>A (p.Gly620Ser)

Gene: IRF2BPL (interferon regulatory factor 2 binding protein like; minus strand). Cytogenetic location: 14q24.3.
Variant type: single nucleotide variant.
Coding change: c.1858G>A on transcript NM_024496.4 (MANE Select); coding-DNA position 1858, G replaced by A.
Protein change: p.Gly620Ser; replaces glycine 620 with serine.
Molecular consequence: missense variant.
Genome position (GRCh38, 1-based): chr14:77,025,935, C>T on the plus strand (G>A on the coding strand, the complement: IRF2BPL is on the minus strand). VCF-style: chr14-77025935-C-T. GRCh37 (hg19) VCF-style: chr14-77492278-C-T.
Other names: short protein forms G620S.
Identifiers: ClinVar variation 3360365 (VCV003360365.1).

ClinVar aggregate classification (germline): Uncertain significance (1 of 4 stars; one submission).

gnomAD v4.1: 1 of 1,609,268 alleles (0.000062%); highest among the groups gnomAD compares: East Asian, 0.0022%; no homozygotes.

Submission:

GeneDx
Classification: Uncertain significance. Last evaluated: 2023-06-23. Review status: criteria provided, single submitter. Criteria: GeneDx Variant Classification Process June 2021. Collection method: clinical testing. Allele origin: germline. Affected: yes.
Comment: In silico analysis supports that this missense variant has a deleterious effect on protein structure/function; Not observed at significant frequency in large population cohorts (gnomAD); Has not been previously published as pathogenic or benign to our knowledge